The following is an entry in ClinVar:

ClinVar aggregate classification (germline): Benign. Review status: criteria provided, multiple submitters, no conflicts (2 of 4 stars). 6 submissions from 6 submitters: Benign (5). 1 of the submissions does not count toward it. Last evaluated 2026-01-27.

Conditions:
Congenital muscular dystrophy due to integrin alpha-7 deficiency. Also called: Congenital muscular dystrophy with integrin alpha-7 deficiency; Muscular dystrophy, congenital, due to ITGA7 deficiency; MYOPATHY, CONGENITAL, DUE TO INTEGRIN ALPHA-7 DEFICIENCY. Identifiers: Orphanet 34520, MedGen C2750786, MONDO:0013177, OMIM 613204.

Allele frequency attached by ClinVar (database versions not stated): gnomAD exomes 0.00135 and 0.00360; ExAC 0.00430; gnomAD 0.01337 and 0.01435; TOPMed 0.01552; ESP Exome Variant Server 0.01576; 1000 Genomes Project 0.01358; 1000 Genomes Project 30x 0.01530.
gnomAD v4.1: 4,107 of 1,614,116 alleles (0.25%); highest among the groups gnomAD compares: African/African-American, 4.6%; 90 homozygotes.

Submissions (6):

Labcorp Genetics (formerly Invitae), Labcorp
Classification: Benign for Congenital muscular dystrophy due to integrin alpha-7 deficiency. Last evaluated: 2026-01-27. Review status: criteria provided, single submitter. Criteria: Invitae Variant Classification Sherloc (09022015). Collection method: clinical testing. Allele origin: germline.

Mayo Clinic Laboratories, Mayo Clinic
Classification: Benign. Last evaluated: 2018-04-18. Review status: criteria provided, single submitter. Criteria: ACMG Guidelines, 2015. Collection method: clinical testing. Allele origin: germline. Observed: 7 variant alleles.

Athena Diagnostics
Classification: Benign. Last evaluated: 2017-11-15. Review status: criteria provided, single submitter. Criteria: Athena Diagnostics Criteria. Collection method: clinical testing. Allele origin: germline.

GeneDx
Classification: Benign. Last evaluated: 2016-07-15. Review status: criteria provided, single submitter. Criteria: GeneDx Variant Classification (06012015). Collection method: clinical testing. Allele origin: germline. Affected: yes.
Comment: This variant is considered likely benign or benign based on one or more of the following criteria: it is a conservative change, it occurs at a poorly conserved position in the protein, it is predicted to be benign by multiple in silico algorithms, and/or has population frequency not consistent with disease.

Breakthrough Genomics
Classification: Benign. Review status: criteria provided, single submitter. Criteria: ACMG Guidelines, 2015. Collection method: not provided. Allele origin: germline. Inheritance: Autosomal recessive inheritance. Affected: yes.

Genetic Services Laboratory, University of Chicago
Classification: Likely benign for AllHighlyPenetrant. Review status: no assertion criteria provided. Collection method: clinical testing. Allele origin: germline. Inheritance: Autosomal recessive inheritance. Not counted in ClinVar's aggregate classification.
Comment: Likely benign based on allele frequency in 1000 Genomes Project or ESP global frequency and its presence in a patient with a rare or unrelated disease phenotype. NOT Sanger confirmed.

NM_002206.3(ITGA7):c.3031T>C (p.Leu1011=)

Gene: ITGA7 (integrin subunit alpha 7; minus strand). Cytogenetic location: 12q13.2.
Variant type: single nucleotide variant.
Coding change: c.3031T>C on transcript NM_002206.3 (MANE Select); coding-DNA position 3031, T replaced by C.
Protein change: p.Leu1011=; no amino-acid change (leucine 1011 retained).
Molecular consequence: synonymous variant.
Genome position (GRCh38, 1-based): chr12:55,688,228, A>G on the plus strand (T>C on the coding strand, the complement: ITGA7 is on the minus strand). VCF-style: chr12-55688228-A-G. GRCh37 (hg19) VCF-style: chr12-56082012-A-G.
Other names: p.Leu1011=; c.3043T>C, p.Leu1015= (NM_001144996.2); c.2752T>C, p.Leu918= (NM_001144997.2); c.2704T>C, p.Leu902= (NM_001367993.1); c.1687T>C, p.Leu563= (NM_001367994.1); c.3013T>C, p.Leu1005= (NM_001374465.1); c.3163T>C, p.Leu1055= (NM_001410977.1); c.3025T>C, p.Leu1009= (NM_001414029.1); and 6 more.
Identifiers: ClinVar variation 129295 (VCV000129295.19), dbSNP rs17117879, ClinGen allele CA153204.